The following is an entry in ClinVar:

NM_004068.4(AP2M1):c.255G>A (p.Met85Ile)

Gene: AP2M1 (adaptor related protein complex 2 subunit mu 1; plus strand). Cytogenetic location: 3q27.1.
Variant type: single nucleotide variant.
Coding change: c.255G>A on transcript NM_004068.4 (MANE Select); coding-DNA position 255, G replaced by A.
Protein change: p.Met85Ile; replaces methionine 85 with isoleucine.
Molecular consequence: missense variant.
Genome position (GRCh38, 1-based): chr3:184,179,037, G>A. VCF-style: chr3-184179037-G-A. GRCh37 (hg19) VCF-style: chr3-183896825-G-A.
Other names: c.255G>A, p.Met85Ile (NM_001025205.2); c.330G>A, p.Met110Ile (NM_001311198.2); short protein forms M85I, M110I.
Identifiers: ClinVar variation 1428998 (VCV001428998.6), dbSNP rs1577058498, ClinGen allele CA355420859.

ClinVar aggregate classification (germline): Uncertain significance (1 of 4 stars; one submission).

Allele frequency attached by ClinVar (database versions not stated): TOPMed below 0.00001.

Submission:

Labcorp Genetics (formerly Invitae), Labcorp
Classification: Uncertain significance. Last evaluated: 2022-07-05. Review status: criteria provided, single submitter. Criteria: Invitae Variant Classification Sherloc (09022015). Collection method: clinical testing. Allele origin: germline.
Comment: This sequence change replaces methionine, which is neutral and non-polar, with isoleucine, which is neutral and non-polar, at codon 85 of the AP2M1 protein (p.Met85Ile). This variant is not present in population databases (gnomAD no frequency). This variant has not been reported in the literature in individuals affected with AP2M1-related conditions. ClinVar contains an entry for this variant (Variation ID: 1428998). Algorithms developed to predict the effect of missense changes on protein structure and function (SIFT, PolyPhen-2, Align-GVGD) all suggest that this variant is likely to be tolerated. In summary, the available evidence is currently insufficient to determine the role of this variant in disease. Therefore, it has been classified as a Variant of Uncertain Significance.